The following is an entry in ClinVar:

NM_006734.4(HIVEP2):c.3941T>C (p.Leu1314Pro)

Gene: HIVEP2 (HIVEP zinc finger 2; minus strand). Cytogenetic location: 6q24.2.
Variant type: single nucleotide variant.
Coding change: c.3941T>C on transcript NM_006734.4 (MANE Select); coding-DNA position 3941, T replaced by C.
Protein change: p.Leu1314Pro; replaces leucine 1314 with proline.
Molecular consequence: missense variant.
Genome position (GRCh38, 1-based): chr6:142,770,798, A>G on the plus strand (T>C on the coding strand, the complement: HIVEP2 is on the minus strand). VCF-style: chr6-142770798-A-G. GRCh37 (hg19) VCF-style: chr6-143091935-A-G.
Other names: short protein forms L1314P.
Identifiers: ClinVar variation 2801484 (VCV002801484.3), dbSNP rs1250277196, ClinGen allele CA365902157.

ClinVar aggregate classification (germline): Uncertain significance (1 of 4 stars; one submission).

Allele frequency attached by ClinVar (database versions not stated): gnomAD exomes below 0.00001.
gnomAD v4.1: 7 of 1,614,192 alleles (0.00043%); highest among the groups gnomAD compares: Non-Finnish European, 0.00059%; no homozygotes.

Submission:

Labcorp Genetics (formerly Invitae), Labcorp
Classification: Uncertain significance. Last evaluated: 2024-10-17. Review status: criteria provided, single submitter. Criteria: Invitae Variant Classification Sherloc (09022015). Collection method: clinical testing. Allele origin: germline.
Comment: This sequence change replaces leucine, which is neutral and non-polar, with proline, which is neutral and non-polar, at codon 1314 of the HIVEP2 protein (p.Leu1314Pro). This variant is present in population databases (no rsID available, gnomAD 0.0009%). This variant has not been reported in the literature in individuals affected with HIVEP2-related conditions. Invitae Evidence Modeling of protein sequence and biophysical properties (such as structural, functional, and spatial information, amino acid conservation, physicochemical variation, residue mobility, and thermodynamic stability) indicates that this missense variant is not expected to disrupt HIVEP2 protein function with a negative predictive value of 80%. In summary, the available evidence is currently insufficient to determine the role of this variant in disease. Therefore, it has been classified as a Variant of Uncertain Significance.